The following is an entry in ClinVar:

NM_031407.7(HUWE1):c.12671C>T (p.Ala4224Val)

Gene: HUWE1 (HECT, UBA and WWE domain containing E3 ubiquitin protein ligase 1; minus strand). Cytogenetic location: Xp11.22.
Variant type: single nucleotide variant.
Coding change: c.12671C>T on transcript NM_031407.7 (MANE Select); coding-DNA position 12671, C replaced by T.
Protein change: p.Ala4224Val; replaces alanine 4224 with valine.
Molecular consequence: missense variant.
Genome position (GRCh38, 1-based): chrX:53,534,676, G>A on the plus strand (C>T on the coding strand, the complement: HUWE1 is on the minus strand). VCF-style: chrX-53534676-G-A. GRCh37 (hg19) VCF-style: chrX-53561637-G-A.
Other names: short protein forms A4224V.
Identifiers: ClinVar variation 96204 (VCV000096204.7), dbSNP rs398124423, ClinGen allele CA223813.

ClinVar aggregate classification (germline): Uncertain significance. Review status: criteria provided, multiple submitters, no conflicts (2 of 4 stars). 2 submissions from 2 submitters: Uncertain significance (2). Last evaluated 2019-08-26.

Conditions:
Intellectual developmental disorder, X-linked, syndromic, Turner type. Also called: Intellectual disability, X-linked syndromic, Turner type; X-linked intellectual disability, Turner type. Identifiers: Orphanet 3056, Orphanet 85328, MedGen C2678046, MONDO:0010407, OMIM 309590.

Submissions (2):

Institute of Human Genetics, University of Leipzig Medical Center
Classification: Uncertain significance for Intellectual developmental disorder, X-linked, syndromic, Turner type. Last evaluated: 2019-08-26. Review status: criteria provided, single submitter. Criteria: ACMG Guidelines, 2015. Collection method: clinical testing. Allele origin: germline. Affected: yes. Observed: 1 variant allele.
Comment: This variant was identified as hemizygous

Eurofins Ntd Llc (ga)
Classification: Uncertain significance. Last evaluated: 2012-11-28. Review status: criteria provided, single submitter. Criteria: EGL Classification Definitions 2015. Collection method: clinical testing. Allele origin: germline. Observed: 2 variant alleles, 1 heterozygote, 1 hemizygote.